The following is an entry in ClinVar:

NM_020706.2(SCAF4):c.562G>C (p.Ala188Pro)

Gene: SCAF4 (SR-related CTD associated factor 4; minus strand). Cytogenetic location: 21q22.11.
Variant type: single nucleotide variant.
Coding change: c.562G>C on transcript NM_020706.2 (MANE Select); coding-DNA position 562, G replaced by C.
Protein change: p.Ala188Pro; replaces alanine 188 with proline.
Molecular consequence: missense variant.
Genome position (GRCh38, 1-based): chr21:31,701,814, C>G on the plus strand (G>C on the coding strand, the complement: SCAF4 is on the minus strand). VCF-style: chr21-31701814-C-G. GRCh37 (hg19) VCF-style: chr21-33074127-C-G.
Other names: c.517G>C, p.Ala173Pro (NM_001145444.1); c.562G>C, p.Ala188Pro (NM_001145445.1); short protein forms A173P, A188P.
Identifiers: ClinVar variation 4975067 (VCV004975067.1).

ClinVar aggregate classification (germline): Uncertain significance (1 of 4 stars; one submission).

gnomAD v4.1: 1 of 1,613,428 alleles (0.000062%); highest among the groups gnomAD compares: Non-Finnish European, 0.000085%; no homozygotes.

Submission:

GeneDx
Classification: Uncertain significance. Last evaluated: 2026-01-23. Review status: criteria provided, single submitter. Criteria: GeneDx Variant Classification Process June 2021. Collection method: clinical testing. Allele origin: germline.
Comment: Not observed at significant frequency in large population cohorts (gnomAD); In silico analysis supports that this missense variant has a deleterious effect on protein structure/function; Has not been previously published as pathogenic or benign to our knowledge